The following is an entry in ClinVar:

NM_021252.5(RAB18):c.*2242A>G

Gene: RAB18 (RAB18, member RAS oncogene family; plus strand). Cytogenetic location: 10p12.1.
Variant type: single nucleotide variant.
Coding change: c.*2242A>G on transcript NM_021252.5 (MANE Select); 2242 bases downstream of the stop codon, A replaced by G.
Molecular consequence: 3 prime UTR variant. On other transcripts: non-coding transcript variant (1).
Genome position (GRCh38, 1-based): chr10:27,540,293, A>G. VCF-style: chr10-27540293-A-G. GRCh37 (hg19) VCF-style: chr10-27829222-A-G.
Other names: c.*2242A>G (NM_001256410.2, NM_001256412.2); c.*2202A>G (NM_001256411.2).
Identifiers: ClinVar variation 299853 (VCV000299853.5), dbSNP rs186240753, ClinGen allele CA5452537.

ClinVar aggregate classification (germline): Likely benign (1 of 4 stars; one submission).

Conditions:
Warburg micro syndrome 3 (WARBM3). Also called: MICRO SYNDROME 3. Identifiers: Orphanet 2510, MedGen C3280203, MONDO:0013638, OMIM 614222.

Allele frequency attached by ClinVar (database versions not stated): ExAC 0.00009; gnomAD exomes 0.00023 and 0.00069; gnomAD 0.00032 and 0.00040; TOPMed 0.00035; 1000 Genomes Project 0.00200; 1000 Genomes Project 30x 0.00250.
gnomAD v4.1: 146 of 454,072 alleles (0.032%); highest among the groups gnomAD compares: East Asian, 0.8%; 2 homozygotes.

Submission:

Illumina Laboratory Services, Illumina
Classification: Likely benign for Warburg micro syndrome 3. Last evaluated: 2018-01-12. Review status: criteria provided, single submitter. Criteria: ICSL Variant Classification Criteria 13 December 2019. Collection method: clinical testing. Allele origin: germline.
Comment: This variant was observed in the ICSL laboratory as part of a predisposition screen in an ostensibly healthy population. It had not been previously curated by ICSL or reported in the Human Gene Mutation Database (HGMD: prior to June 1st, 2018), and was therefore a candidate for classification through an automated scoring system. Utilizing variant allele frequency, disease prevalence and penetrance estimates, and inheritance mode, an automated score was calculated to assess if this variant is too frequent to cause the disease. Based on the score and internal cut-off values, a variant classified as likely benign is not then subjected to further curation. The score for this variant resulted in a classification of likely benign for this disease.